The following is an entry in ClinVar:

NM_002497.4(NEK2):c.185T>G (p.Leu62Arg)

Gene: NEK2 (NIMA related kinase 2; minus strand). Cytogenetic location: 1q32.3.
Variant type: single nucleotide variant.
Coding change: c.185T>G on transcript NM_002497.4 (MANE Select); coding-DNA position 185, T replaced by G.
Protein change: p.Leu62Arg; replaces leucine 62 with arginine.
Molecular consequence: missense variant.
Genome position (GRCh38, 1-based): chr1:211,674,425, A>C on the plus strand (T>G on the coding strand, the complement: NEK2 is on the minus strand). VCF-style: chr1-211674425-A-C. GRCh37 (hg19) VCF-style: chr1-211847767-A-C.
Other names: c.185T>G, p.Leu62Arg (NM_001204182.2, NM_001204183.2); short protein forms L62R.
Identifiers: ClinVar variation 1997520 (VCV001997520.4), dbSNP rs764749288, ClinGen allele CA1381742.

ClinVar aggregate classification (germline): Uncertain significance (1 of 4 stars; one submission).

Allele frequency attached by ClinVar (database versions not stated): ExAC 0.00002; gnomAD exomes 0.00002.
gnomAD v4.1: 11 of 1,614,154 alleles (0.00068%); no homozygotes.

Submission:

Labcorp Genetics (formerly Invitae), Labcorp
Classification: Uncertain significance. Last evaluated: 2021-11-26. Review status: criteria provided, single submitter. Criteria: Invitae Variant Classification Sherloc (09022015). Collection method: clinical testing. Allele origin: germline.
Comment: This sequence change replaces leucine, which is neutral and non-polar, with arginine, which is basic and polar, at codon 62 of the NEK2 protein (p.Leu62Arg). This variant is present in population databases (rs764749288, gnomAD 0.02%). This variant has not been reported in the literature in individuals affected with NEK2-related conditions. Algorithms developed to predict the effect of missense changes on protein structure and function are either unavailable or do not agree on the potential impact of this missense change (SIFT: "Deleterious"; PolyPhen-2: "Probably Damaging"; Align-GVGD: "Class C0"). In summary, the available evidence is currently insufficient to determine the role of this variant in disease. Therefore, it has been classified as a Variant of Uncertain Significance.